The following is an entry in ClinVar:

ClinVar aggregate classification (germline): Conflicting classifications of pathogenicity. Review status: criteria provided, conflicting classifications (1 of 4 stars). 5 submissions from 5 submitters: Uncertain significance (2); Likely benign (2). 1 of the submissions does not count toward it. Last evaluated 2025-10-13.

Conditions:
Retinal dystrophy. Also called: Inherited retinal dystrophy. Identifiers: Orphanet 71862, MedGen C0854723, MeSH D058499, MONDO:0019118, HP:0000556.
Retinitis pigmentosa 11 (RP11). Identifiers: Orphanet 791, MedGen C1838601, MONDO:0010828, OMIM 600138.

Allele frequency attached by ClinVar (database versions not stated): gnomAD 0.00001; gnomAD exomes 0.00002.
gnomAD v4.1: 24 of 1,514,832 alleles (0.0016%); highest among the groups gnomAD compares: African/African-American, 0.0028%; no homozygotes.

Submissions (5):

Labcorp Genetics (formerly Invitae), Labcorp
Classification: Likely benign. Last evaluated: 2025-10-13. Review status: criteria provided, single submitter. Criteria: Invitae Variant Classification Sherloc (09022015). Collection method: clinical testing. Allele origin: germline.

Blueprint Genetics
Classification: Likely benign. Last evaluated: 2022-08-08. Review status: criteria provided, single submitter. Criteria: ACMG Guidelines, 2015. Collection method: clinical testing. Allele origin: germline.

ARUP Laboratories, Molecular Genetics and Genomics, ARUP Laboratories
Classification: Uncertain significance for Retinitis pigmentosa 11. Last evaluated: 2022-02-28. Review status: criteria provided, single submitter. Criteria: ARUP Molecular Germline Variant Investigation Process 2021. Collection method: clinical testing. Allele origin: germline.
Comment: The PRPF31 c.1140C>T; p.Phe380Phe variant, to our knowledge, is not reported in the medical literature or in gene-specific databases. The variant is found in 3 out of 152350 alleles in the Genome Aggregation Database, indicating it is not a common polymorphism. This is a silent variant and the nucleotide at this position is not conserved, but at least one computational algorithm predicts this variant weakens splicing at the downstream donor (Alamut v.2.11). Considering available information, the clinical significance of this variant cannot be determined with certainty.

CeGaT Center for Human Genetics Tuebingen
Classification: Uncertain significance. Last evaluated: 2018-08-01. Review status: criteria provided, single submitter. Criteria: CeGaT Center For Human Genetics Tuebingen Variant Classification Criteria Version 2. Collection method: clinical testing. Allele origin: germline. Affected: yes. Observed: 1 variant allele.

Institute of Human Genetics, Univ. Regensburg, Univ. Regensburg
Classification: Uncertain significance for Retinal dystrophy. Last evaluated: 2021-01-01. Review status: no assertion criteria provided. Criteria: ACMG Guidelines, 2015. Collection method: clinical testing. Allele origin: germline. Affected: yes. Not counted in ClinVar's aggregate classification.

NM_015629.4(PRPF31):c.1140C>T (p.Phe380=)

Gene: PRPF31 (pre-mRNA processing factor 31; plus strand). Cytogenetic location: 19q13.42.
Variant type: single nucleotide variant.
Coding change: c.1140C>T on transcript NM_015629.4 (MANE Select); coding-DNA position 1140, C replaced by T.
Protein change: p.Phe380=; no amino-acid change (phenylalanine 380 retained).
Molecular consequence: synonymous variant.
Genome position (GRCh38, 1-based): chr19:54,128,371, C>T. VCF-style: chr19-54128371-C-T. GRCh37 (hg19) VCF-style: chr19-54631746-C-T.
Identifiers: ClinVar variation 623966 (VCV000623966.59), dbSNP rs1411083098, ClinGen allele CA883539257.